The following is an entry in ClinVar:

NM_000138.5(FBN1):c.5130_5135del (p.Leu1710_Leu1711del)

Gene: FBN1 (fibrillin 1; minus strand). Cytogenetic location: 15q21.1.
Variant type: Deletion.
Coding change: c.5130_5135del on transcript NM_000138.5 (MANE Select); coding-DNA positions 5130 to 5135, 6 bases deleted (GTTATT; older notation c.5130_5135delGTTATT).
Protein change: p.Leu1710_Leu1711del.
Molecular consequence: inframe indel (on NM_000138.4).
Genome position (GRCh38, 1-based): chr15:48,463,171-48,463,176, AATAAC deleted on the plus strand (GTTATT on the coding strand, the reverse complement: FBN1 is on the minus strand); deleting any 6 consecutive bases within chr15:48,463,171-48,463,179 gives the same sequence; the c. name uses the placement nearest the transcript's 3' end. VCF-style (leftmost placement, unchanged base first): chr15-48463170-GAATAAC-G. GRCh37 (hg19) VCF-style: chr15-48755367-GAATAAC-G.
Other names: c.5127_5132delATTGTT, p.Leu1710_Leu1711del (NM_000138.4); c.5130_5135del, p.Leu1710_Leu1711del (NM_001406716.1); c.5130_5135del (NM_000138.4).
Identifiers: ClinVar variation 4785950 (VCV004785950.2).

ClinVar aggregate classification (germline): Uncertain significance. Review status: criteria provided, multiple submitters, no conflicts (2 of 4 stars). 2 submissions from 2 submitters: Uncertain significance (2). Last evaluated 2026-03-01.

Conditions:
Marfan syndrome (MFS). Also called: FBN1-Related Marfan Syndrome; MARFAN SYNDROME, TYPE I; Marfan syndrome type 1; Marfan's syndrome; Marfan syndrome, classic. Identifiers: Orphanet 284963, Orphanet 558, MedGen C0024796, MONDO:0007947, OMIM 154700.
Familial thoracic aortic aneurysm and aortic dissection (TAAD). Also called: Thoracic aortic aneurysms and dissections. Identifiers: Orphanet 91387, MedGen C4707243, MONDO:0019625.

Submissions (2):

GeneDx
Classification: Uncertain significance. Last evaluated: 2026-03-01. Review status: criteria provided, single submitter. Criteria: GeneDx Variant Classification Process June 2021. Collection method: clinical testing. Allele origin: germline.
Comment: Not observed at significant frequency in large population cohorts (gnomAD); In-frame deletion of 2 amino acid(s) in a non-repeat region; In silico analysis suggests that this variant does not alter protein structure/function; Has not been previously published as pathogenic or benign to our knowledge; This variant is associated with the following publications: (PMID: 21175431, 7622614, 8281141)

Labcorp Genetics (formerly Invitae), Labcorp
Classification: Uncertain significance for Marfan syndrome; Familial thoracic aortic aneurysm and aortic dissection. Last evaluated: 2025-10-13. Review status: criteria provided, single submitter. Criteria: Invitae Variant Classification Sherloc (09022015). Collection method: clinical testing. Allele origin: germline.
Comment: This variant, c.5130_5135del, results in the deletion of 2 amino acid(s) of the FBN1 protein (p.Leu1710_Leu1711del), but otherwise preserves the integrity of the reading frame. This variant is not present in population databases (gnomAD no frequency). This variant has been observed in individual(s) with FBN1-related conditions (internal data). Experimental studies and prediction algorithms are not available or were not evaluated, and the functional significance of this variant is currently unknown. In summary, the available evidence is currently insufficient to determine the role of this variant in disease. Therefore, it has been classified as a Variant of Uncertain Significance.